The following is an entry in ClinVar:

ClinVar aggregate classification (germline): Likely benign (0 of 4 stars; one submission).

Conditions:
PRG4-related disorder. Also called: PRG4-related condition.

Allele frequency attached by ClinVar (database versions not stated): TOPMed 0.00001; gnomAD 0.00004.
gnomAD v4.1: 11 of 1,613,912 alleles (0.00068%); highest among the groups gnomAD compares: Admixed American, 0.015%; no homozygotes.

Submission:

PreventionGenetics, part of Exact Sciences
Classification: Likely benign for PRG4-related condition. Last evaluated: 2020-03-23. Review status: no assertion criteria provided. Collection method: clinical testing. Allele origin: germline.
Comment: This variant is classified as likely benign based on ACMG/AMP sequence variant interpretation guidelines (Richards et al. 2015 PMID: 25741868, with internal and published modifications).

NM_005807.6(PRG4):c.77-9T>C

Gene: PRG4 (proteoglycan 4; plus strand). Cytogenetic location: 1q31.1.
Variant type: single nucleotide variant.
Coding change: c.77-9T>C on transcript NM_005807.6 (MANE Select); 9 bases into the intron before coding-DNA position 77, T replaced by C.
Molecular consequence: intron variant.
Genome position (GRCh38, 1-based): chr1:186,300,082, T>C. VCF-style: chr1-186300082-T-C. GRCh37 (hg19) VCF-style: chr1-186269214-T-C.
Other names: c.77-9T>C (NM_001303232.2, NM_001127709.3); c.77-1510T>C (NM_001127708.3, NM_001127710.3).
Identifiers: ClinVar variation 3049072 (VCV003049072.2), dbSNP rs774280540, ClinGen allele CA1295734.
Genomic context (GRCh38, chr1:186,300,082, plus strand): 5'-CCCTCGTTAGATTGCTCCCTTTCTATAAAGTGGTTTGGCCATATTTACGCCAGTATTGTA[T>C]AATTTTAGATTTATCAAGCTGTGCAGGGAGATGTGGGGAAGGGTATTCTAGAGATGCCAC-3'